The following is an entry in ClinVar:

NM_000261.2(MYOC):c.734G>A (p.Cys245Tyr)

Gene: MYOC (myocilin; minus strand). Cytogenetic location: 1q24.3.
Variant type: single nucleotide variant.
Coding change: c.734G>A on transcript NM_000261.2 (MANE Select); coding-DNA position 734, G replaced by A.
Protein change: p.Cys245Tyr; replaces cysteine 245 with tyrosine.
Molecular consequence: missense variant.
Genome position (GRCh38, 1-based): chr1:171,636,706, C>T on the plus strand (G>A on the coding strand, the complement: MYOC is on the minus strand). VCF-style: chr1-171636706-C-T. GRCh37 (hg19) VCF-style: chr1-171605846-C-T.
Other names: NM_000261.2(MYOC):c.734G>A; short protein forms C245Y.
Identifiers: ClinVar variation 7959 (VCV000007959.8), dbSNP rs74315340, ClinGen allele CA119184.

ClinVar aggregate classification (germline): Uncertain significance. Review status: reviewed by expert panel (3 of 4 stars). 3 submissions from 3 submitters: Uncertain significance (1). 2 of the submissions do not count toward it. Last evaluated 2026-02-18.

Conditions:
Open-angle glaucoma. Identifiers: MedGen C0017612, MONDO:0005338, HP:0012108.
Glaucoma 1, open angle, A (GLC1A). Also called: Glaucoma, Dominant (Juvenile Onset). Identifiers: Orphanet 98977, MedGen C1842028, MONDO:0007664, OMIM 137750.

Submissions (3):

ClinGen Glaucoma Variant Curation Expert Panel
Classification: Uncertain significance for Open-angle glaucoma. Last evaluated: 2026-02-18. Review status: reviewed by expert panel. Criteria: ClinGen Glaucoma ACMG Specifications V2.0.0 Approved. Collection method: curation. Allele origin: germline. Inheritance: Autosomal dominant inheritance.
Comment: The c.734G>A variant in MYOC is a missense variant predicted to cause substitution of Cysteine by Tyrosine at amino acid 245 (p.Cys245Tyr). This variant was not found in any genetic ancestry group of gnomAD (v4.1.0), meeting the ≤ 0.0001 threshold set for PM2_Supporting in a genetic ancestry group of at least 10,000 alleles. The REVEL score = 0.913, which was within the 0.773-0.931 range for PP3_Moderate, predicting a damaging effect on MYOC function. The assays in these studies (PMIDs: 19234343, 27092720, 17960117), measuring solubility and secretion of the Cys245Tyr protein, did not meet the OddsPath threshold for PS3_Supporting (> 2.1). 3 segregations in 1 family, with juvenile open angle glaucoma (JOAG), have been reported (PMID: 16401791), which fulfilled PP1 (3-4 meioses). 2 probands with JOAG have been reported carrying this variant (PMID: 16401791 and L. Prasov, University of Michigan [pers. comm.]), , which met PS4_Supporting (≥ 2 probands). In summary, this variant met the criteria to receive a score of 5 and to be classified as a variant of uncertain significance (uncertain significance classification range -1 to 5, adapted from PMID: 32720330) for juvenile open angle glaucoma based on the ACMG/AMP criteria met, as specified by the ClinGen Glaucoma VCEP (v2.0.0, 5 Dec 2024): PP3_Moderate, PP1, PS4_Supporting, PM2_Supporting

Fulgent Genetics
Classification: Likely pathogenic for Glaucoma 1, open angle, A. Last evaluated: 2024-06-14. Review status: criteria provided, single submitter. Criteria: ACMG Guidelines, 2015. Collection method: clinical testing. Allele origin: germline. Not counted in ClinVar's aggregate classification.

OMIM
Classification: Pathogenic for GLAUCOMA 1, OPEN ANGLE, A. Last evaluated: 2006-01-01. Review status: no assertion criteria provided. Collection method: literature only. Allele origin: germline. Not counted in ClinVar's aggregate classification.

Literature cited by the submitters: PubMed 16401791 (cited by OMIM).